The following is an entry in ClinVar:

NM_152383.5(DIS3L2):c.786T>A (p.Phe262Leu)

Gene: DIS3L2 (DIS3 like 3'-5' exoribonuclease 2; plus strand). Cytogenetic location: 2q37.1.
Variant type: single nucleotide variant.
Coding change: c.786T>A on transcript NM_152383.5 (MANE Select); coding-DNA position 786, T replaced by A.
Protein change: p.Phe262Leu; replaces phenylalanine 262 with leucine.
Molecular consequence: missense variant. On other transcripts: non-coding transcript variant (1).
Genome position (GRCh38, 1-based): chr2:232,136,555, T>A. VCF-style: chr2-232136555-T-A. GRCh37 (hg19) VCF-style: chr2-233001265-T-A.
Other names: c.786T>A, p.Phe262Leu (NM_001257281.2); short protein forms F262L.
Identifiers: ClinVar variation 661011 (VCV000661011.8), dbSNP rs1033352725, ClinGen allele CA67512072.

ClinVar aggregate classification (germline): Uncertain significance (1 of 4 stars; one submission).

Conditions:
Perlman syndrome (PRLMNS). Identifiers: Orphanet 2849, MedGen C0796113, MONDO:0009965, OMIM 267000.

gnomAD v4.1: 8 of 1,613,950 alleles (0.0005%); highest among the groups gnomAD compares: Non-Finnish European, 0.00059%; no homozygotes.

Submission:

Labcorp Genetics (formerly Invitae), Labcorp
Classification: Uncertain significance for Perlman syndrome. Last evaluated: 2023-06-21. Review status: criteria provided, single submitter. Criteria: Invitae Variant Classification Sherloc (09022015). Collection method: clinical testing. Allele origin: germline.
Comment: In summary, the available evidence is currently insufficient to determine the role of this variant in disease. Therefore, it has been classified as a Variant of Uncertain Significance. This sequence change replaces phenylalanine, which is neutral and non-polar, with leucine, which is neutral and non-polar, at codon 262 of the DIS3L2 protein (p.Phe262Leu). This variant is not present in population databases (gnomAD no frequency). This variant has not been reported in the literature in individuals affected with DIS3L2-related conditions. ClinVar contains an entry for this variant (Variation ID: 661011). Advanced modeling of protein sequence and biophysical properties (such as structural, functional, and spatial information, amino acid conservation, physicochemical variation, residue mobility, and thermodynamic stability) performed at Invitae indicates that this missense variant is not expected to disrupt DIS3L2 protein function.